The following is an entry in ClinVar:

NM_000069.3(CACNA1S):c.1620-124A>C

Gene: CACNA1S (calcium voltage-gated channel subunit alpha1 S; minus strand). Cytogenetic location: 1q32.1.
Variant type: single nucleotide variant.
Coding change: c.1620-124A>C on transcript NM_000069.3 (MANE Select); 124 bases into the intron before coding-DNA position 1620, A replaced by C.
Molecular consequence: intron variant.
Genome position (GRCh38, 1-based): chr1:201,077,251, T>G on the plus strand (A>C on the coding strand, the complement: CACNA1S is on the minus strand). VCF-style: chr1-201077251-T-G. GRCh37 (hg19) VCF-style: chr1-201046379-T-G.
Identifiers: ClinVar variation 678221 (VCV000678221.1), dbSNP rs925060, ClinGen allele CA10697319.
Genomic context (GRCh38, chr1:201,077,251, plus strand): 5'-GGACAGGCTTGGGGGAAAGACTCAGGACTGATGTGACACAGAGGGAGGGGGCTGCCTCAC[T>G]GCTGGAAGACCCTGGATTCATGGCTGCATGCCCACTCTCTCCTTCCTGCAGAGCACTTGT-3'

ClinVar aggregate classification (germline): Benign (1 of 4 stars; one submission).

Allele frequency attached by ClinVar (database versions not stated): TOPMed 0.70179; 1000 Genomes Project 30x 0.71330; gnomAD 0.71333; 1000 Genomes Project 0.71965; gnomAD exomes 0.78181.
gnomAD v4.1: 604,565 of 787,228 alleles (77%); highest among the groups gnomAD compares: South Asian, 87%; 234,570 homozygotes.

Submission:

GeneDx
Classification: Benign. Last evaluated: 2018-06-14. Review status: criteria provided, single submitter. Criteria: GeneDx Variant Classification (06012015). Collection method: clinical testing. Allele origin: germline. Affected: yes.
Comment: This variant is considered likely benign or benign based on one or more of the following criteria: it is a conservative change, it occurs at a poorly conserved position in the protein, it is predicted to be benign by multiple in silico algorithms, and/or has population frequency not consistent with disease.